The following is an entry in ClinVar:

NM_001042750.2(STAG2):c.3419G>A (p.Ser1140Asn)

Gene: STAG2 (STAG2 cohesin complex component; plus strand). Cytogenetic location: Xq25.
Variant type: single nucleotide variant.
Coding change: c.3419G>A on transcript NM_001042750.2 (MANE Select); coding-DNA position 3419, G replaced by A.
Protein change: p.Ser1140Asn; replaces serine 1140 with asparagine.
Molecular consequence: missense variant.
Genome position (GRCh38, 1-based): chrX:124,090,716, G>A. VCF-style: chrX-124090716-G-A. GRCh37 (hg19) VCF-style: chrX-123224566-G-A.
Other names: c.3419G>A (NM_001042749.1); c.3419G>A, p.Ser1140Asn (NM_001282418.2, NM_001375366.1, NM_001375367.1 and 13 more transcripts); short protein forms S1140N.
Identifiers: ClinVar variation 2781673 (VCV002781673.4), dbSNP rs1329196016, ClinGen allele CA414281548.
Genomic context (GRCh38, chrX:124,090,716, plus strand): 5'-AACTCACCTCCACTATTATGAGAGAGCCCAAAAGATTACGGCCTGAGGATAGCTTCATGA[G>A]TGTTTATCCAATGCAGACTGAACATCATCAAACACCTCTTGATTATAAGTAAGTACATTT-3'
Protein context (NP_001036215.1, residues 1130-1150): KRLRPEDSFM[Ser1140Asn]VYPMQTEHHQ

ClinVar aggregate classification (germline): Uncertain significance. Review status: criteria provided, multiple submitters, no conflicts (2 of 4 stars). 2 submissions from 2 submitters: Uncertain significance (2). Last evaluated 2025-05-03.

Conditions:
Inborn genetic diseases. Identifiers: MedGen C0950123, MeSH D030342.

Allele frequency attached by ClinVar (database versions not stated): TOPMed below 0.00001.
gnomAD v4.1: 1 of 1,209,909 alleles (0.000083%); no homozygotes.

Submissions (2):

Ambry Genetics
Classification: Uncertain significance for Inborn genetic diseases. Last evaluated: 2025-05-03. Review status: criteria provided, single submitter. Criteria: Ambry Variant Classification Scheme 2023. Collection method: clinical testing. Allele origin: germline.

Labcorp Genetics (formerly Invitae), Labcorp
Classification: Uncertain significance. Last evaluated: 2023-08-29. Review status: criteria provided, single submitter. Criteria: Invitae Variant Classification Sherloc (09022015). Collection method: clinical testing. Allele origin: germline.
Comment: In summary, the available evidence is currently insufficient to determine the role of this variant in disease. Therefore, it has been classified as a Variant of Uncertain Significance. Algorithms developed to predict the effect of missense changes on protein structure and function output the following: SIFT: "Not Available"; PolyPhen-2: "Benign"; Align-GVGD: "Not Available". The asparagine amino acid residue is found in multiple mammalian species, which suggests that this missense change does not adversely affect protein function. This variant has not been reported in the literature in individuals affected with STAG2-related conditions. This variant is present in population databases (no rsID available, gnomAD no frequency). This sequence change replaces serine, which is neutral and polar, with asparagine, which is neutral and polar, at codon 1140 of the STAG2 protein (p.Ser1140Asn).